The following is an entry in ClinVar:

ClinVar aggregate classification (germline): Uncertain significance (1 of 4 stars; one submission).

Submission:

GeneDx
Classification: Uncertain significance. Last evaluated: 2022-07-18. Review status: criteria provided, single submitter. Criteria: GeneDx Variant Classification Process June 2021. Collection method: clinical testing. Allele origin: germline. Affected: yes.
Comment: Not observed at significant frequency in large population cohorts (gnomAD); In silico analysis supports that this missense variant has a deleterious effect on protein structure/function; Has not been previously published as pathogenic or benign to our knowledge; Variants in candidate genes are classified as variants of uncertain significance in accordance with ACMG guidelines (Richards et al., 2015)

NM_002253.4(KDR):c.3417G>T (p.Met1139Ile)

Gene: KDR (kinase insert domain receptor; minus strand). Cytogenetic location: 4q12.
Variant type: single nucleotide variant.
Coding change: c.3417G>T on transcript NM_002253.4 (MANE Select); coding-DNA position 3417, G replaced by T.
Protein change: p.Met1139Ile; replaces methionine 1139 with isoleucine.
Molecular consequence: missense variant.
Genome position (GRCh38, 1-based): chr4:55,088,961, C>A on the plus strand (G>T on the coding strand, the complement: KDR is on the minus strand). VCF-style: chr4-55088961-C-A. GRCh37 (hg19) VCF-style: chr4-55955128-C-A.
Other names: short protein forms M1139I.
Identifiers: ClinVar variation 4075499 (VCV004075499.1).